The following is an entry in ClinVar:

NM_000152.5(GAA):c.2131A>G (p.Thr711Ala)

Gene: GAA (alpha glucosidase; plus strand). Cytogenetic location: 17q25.3.
Variant type: single nucleotide variant.
Coding change: c.2131A>G on transcript NM_000152.5 (MANE Select); coding-DNA position 2131, A replaced by G.
Protein change: p.Thr711Ala; replaces threonine 711 with alanine.
Molecular consequence: missense variant.
Genome position (GRCh38, 1-based): chr17:80,113,308, A>G. VCF-style: chr17-80113308-A-G. GRCh37 (hg19) VCF-style: chr17-78087107-A-G.
Other names: c.2131A>G, p.Thr711Ala (NM_001079803.3, NM_001079804.3); short protein forms T711A.
Identifiers: ClinVar variation 1469435 (VCV001469435.9), dbSNP rs2143896492, ClinGen allele CA401370553.
Genomic context (GRCh38, chr17:80,113,308, plus strand): 5'-GCCCAGCAGGCCATGAGGAAGGCCCTCACCCTGCGCTACGCACTCCTCCCCCACCTCTAC[A>G]CACTGTTCCACCAGGCCCACGTCGCGGGGGAGACCGTGGCCCGGCCCCTCTTCCTGGAGT-3'
Protein context (NP_000143.2, residues 701-721): LRYALLPHLY[Thr711Ala]LFHQAHVAGE

ClinVar aggregate classification (germline): Conflicting classifications of pathogenicity. Review status: criteria provided, conflicting classifications (1 of 4 stars). 2 submissions from 2 submitters: Likely pathogenic (1); Uncertain significance (1). Last evaluated 2026-07-01.

Conditions:
Glycogen storage disease, type II (IOPD). Also called: CARDIOMEGALIA GLYCOGENICA DIFFUSA; GLYCOGENOSIS, GENERALIZED, CARDIAC FORM; GSD II; POMPE DISEASE, INFANTILE-ONSET; GLYCOGEN STORAGE DISEASE II, INFANTILE-ONSET; ACID ALPHA-GLUCOSIDASE DEFICIENCY, INFANTILE-ONSET. Identifiers: Orphanet 365, MedGen C0017921, MONDO:0009290, OMIM 232300.

Allele frequency attached by ClinVar (database versions not stated): gnomAD exomes below 0.00001.

Submissions (2):

Genomenon, Inc
Classification: Uncertain significance for Glycogen storage disease, type II. Last evaluated: 2026-07-01. Review status: criteria provided, single submitter. Criteria: Genomenon Sequence Variant Interpretation Standards - Updated. Collection method: curation. Allele origin: germline. Affected: no.
Comment: GAA p.Thr711Ala (c.2131A>G) is a missense variant that changes the amino acid at codon 711 from Threonine to Alanine. This variant has been reported in the published literature (PMID:26889246). It is absent or not present at a significant frequency in gnomAD. In silico models predict that this variant is possibly or probably damaging. In conclusion, we classify GAA p.Thr711Ala (c.2131A>G) as a variant of uncertain significance.

Labcorp Genetics (formerly Invitae), Labcorp
Classification: Likely pathogenic for Glycogen storage disease, type II. Last evaluated: 2023-05-05. Review status: criteria provided, single submitter. Criteria: Invitae Variant Classification Sherloc (09022015). Collection method: clinical testing. Allele origin: germline.
Comment: In summary, the currently available evidence indicates that the variant is pathogenic, but additional data are needed to prove that conclusively. Therefore, this variant has been classified as Likely Pathogenic. This variant disrupts the p.Thr711 amino acid residue in GAA. Other variant(s) that disrupt this residue have been determined to be pathogenic (PMID: 23884227, 28394184). This suggests that this residue is clinically significant, and that variants that disrupt this residue are likely to be disease-causing. Advanced modeling of protein sequence and biophysical properties (such as structural, functional, and spatial information, amino acid conservation, physicochemical variation, residue mobility, and thermodynamic stability) performed at Invitae indicates that this missense variant is expected to disrupt GAA protein function. ClinVar contains an entry for this variant (Variation ID: 1469435). This variant has not been reported in the literature in individuals affected with GAA-related conditions. This variant is not present in population databases (gnomAD no frequency). This sequence change replaces threonine, which is neutral and polar, with alanine, which is neutral and non-polar, at codon 711 of the GAA protein (p.Thr711Ala).

Literature cited by the submitters: PubMed 26889246 (cited by Genomenon, Inc); PubMed 23884227 (cited by Labcorp Genetics (formerly Invitae), Labcorp); PubMed 28394184 (cited by Labcorp Genetics (formerly Invitae), Labcorp).